The following is an entry in ClinVar:

ClinVar aggregate classification (germline): Conflicting classifications of pathogenicity. Review status: criteria provided, conflicting classifications (1 of 4 stars). 5 submissions from 5 submitters: Uncertain significance (4); Likely benign (1). Last evaluated 2026-01-14.

Conditions:
Arrhythmogenic right ventricular dysplasia 8 (ARVD8). Also called: Arrhythmogenic Right Ventricular Dysplasia/Cardiomyopathy 8; ARRHYTHMOGENIC RIGHT VENTRICULAR DYSPLASIA, FAMILIAL, 8; ARRHYTHMOGENIC RIGHT VENTRICULAR CARDIOMYOPATHY 8. Identifiers: MedGen C1843896, MONDO:0011831, OMIM 607450.
Arrhythmogenic cardiomyopathy with wooly hair and keratoderma. Also called: PALMOPLANTAR KERATODERMA WITH LEFT VENTRICULAR CARDIOMYOPATHY AND WOOLLY HAIR; Carvajal syndrome; Dilated cardiomyopathy with woolly hair and keratoderma; Arrhythmogenic cardiomyopathy with woolly hair and keratoderma. Identifiers: Orphanet 65282, MedGen C1854063, MONDO:0011581, OMIM 605676.
Cardiomyopathy (CMYO). Also called: Cardiomyopathies. Identifiers: Orphanet 167848, MedGen C0878544, MONDO:0004994, HP:0001638. Inheritance: Various modes of inheritance.
Cardiovascular phenotype. Identifiers: MedGen CN230736.

Allele frequency attached by ClinVar (database versions not stated): TOPMed below 0.00001; gnomAD exomes 0.00001 and 0.00002.
gnomAD v4.1: 11 of 1,614,158 alleles (0.00068%); highest among the groups gnomAD compares: Admixed American, 0.0033%; no homozygotes.

Submissions (5):

Labcorp Genetics (formerly Invitae), Labcorp
Classification: Likely benign for Arrhythmogenic cardiomyopathy with wooly hair and keratoderma; Arrhythmogenic right ventricular dysplasia 8. Last evaluated: 2026-01-14. Review status: criteria provided, single submitter. Criteria: Invitae Variant Classification Sherloc (09022015). Collection method: clinical testing. Allele origin: germline.

Molecular Diagnostic Laboratory for Inherited Cardiovascular Disease, Montreal Heart Institute
Classification: Uncertain significance for Cardiovascular phenotype. Last evaluated: 2025-07-24. Review status: criteria provided, single submitter. Criteria: ACMG Guidelines, 2015. Collection method: clinical testing. Allele origin: germline. Affected: yes.
Comment: PM2, PP3

Ambry Genetics
Classification: Uncertain significance for Cardiovascular phenotype. Last evaluated: 2024-06-24. Review status: criteria provided, single submitter. Criteria: Ambry Variant Classification Scheme 2023. Collection method: clinical testing. Allele origin: germline.
Comment: The p.A2034T variant (also known as c.6100G>A), located in coding exon 24 of the DSP gene, results from a G to A substitution at nucleotide position 6100. The alanine at codon 2034 is replaced by threonine, an amino acid with similar properties. This amino acid position is conserved. In addition, this alteration is predicted to be deleterious by in silico analysis. Based on the available evidence, the clinical significance of this variant remains unclear.

All of Us Research Program, National Institutes of Health
Classification: Uncertain significance for Arrhythmogenic cardiomyopathy with wooly hair and keratoderma. Last evaluated: 2024-03-24. Review status: criteria provided, single submitter. Criteria: ACMG Guidelines, 2015. Collection method: clinical testing. Allele origin: germline. Inheritance: Autosomal dominant inheritance. Observed: 2 variant alleles, 2 heterozygotes.
Comment: This missense variant replaces alanine with threonine at codon 2034 of the DSP protein. Computational prediction suggests that this variant may have deleterious impact on protein structure and function (internally defined REVEL score threshold >= 0.7, PMID: 27666373). To our knowledge, functional studies have not been reported for this variant. This variant has not been reported in individuals affected with cardiovascular disorders in the literature. This variant has been identified in 4/251180 chromosomes in the general population by the Genome Aggregation Database (gnomAD). The available evidence is insufficient to determine the role of this variant in disease conclusively. Therefore, this variant is classified as a Variant of Uncertain Significance.

This study involves interpretation of variants in research participants for the purpose of population health screening. Participant phenotype was not available at the time of variant classification. Additional details can be found in publication PMID: 35346344, PMCID: PMC8962531

Color Diagnostics, LLC DBA Color Health
Classification: Uncertain significance for Cardiomyopathy. Last evaluated: 2024-03-06. Review status: criteria provided, single submitter. Criteria: ACMG Guidelines, 2015. Collection method: clinical testing. Allele origin: germline.
Comment: This missense variant replaces alanine with threonine at codon 2034 of the DSP protein. Computational prediction suggests that this variant may have deleterious impact on protein structure and function (internally defined REVEL score threshold >= 0.7, PMID: 27666373). To our knowledge, functional studies have not been reported for this variant. This variant has not been reported in individuals affected with cardiovascular disorders in the literature. This variant has been identified in 4/251180 chromosomes in the general population by the Genome Aggregation Database (gnomAD). The available evidence is insufficient to determine the role of this variant in disease conclusively. Therefore, this variant is classified as a Variant of Uncertain Significance.

NM_004415.4(DSP):c.6100G>A (p.Ala2034Thr)

Gene: DSP (desmoplakin; plus strand). Cytogenetic location: 6p24.3.
Variant type: single nucleotide variant.
Coding change: c.6100G>A on transcript NM_004415.4 (MANE Select); coding-DNA position 6100, G replaced by A.
Protein change: p.Ala2034Thr; replaces alanine 2034 with threonine.
Molecular consequence: missense variant.
Genome position (GRCh38, 1-based): chr6:7,583,362, G>A. VCF-style: chr6-7583362-G-A. GRCh37 (hg19) VCF-style: chr6-7583595-G-A.
Other names: c.4303G>A, p.Ala1435Thr (NM_001008844.3); c.4771G>A, p.Ala1591Thr (NM_001319034.2); c.6100G>A (NM_004415.3); short protein forms A1591T, A2034T, A1435T.
Identifiers: ClinVar variation 922295 (VCV000922295.14), dbSNP rs1043978096, ClinGen allele CA133974331.
Genomic context (GRCh38, chr6:7,583,362, plus strand): 5'-GGTGCAGGATCTATCGCTGGAGCATCTGCTTCTCCTAAGGAAAAATACTCTTTGGTAGAG[G>A]CCAAGAGAAAGAAATTAATCAGCCCAGAATCCACAGTCATGCTTCTGGAGGCCCAGGCAG-3'
Protein context (NP_004406.2, residues 2024-2044): SPKEKYSLVE[Ala2034Thr]KRKKLISPES